The following is an entry in ClinVar:

NM_139276.3(STAT3):c.779T>C (p.Leu260Pro)

Genes: STAT3 (signal transducer and activator of transcription 3; minus strand), LOC130060888 (ATAC-STARR-seq lymphoblastoid active region 12197; plus strand). Cytogenetic location: 17q21.2.
Variant type: single nucleotide variant.
Coding change: c.779T>C on transcript NM_139276.3 (MANE Select); coding-DNA position 779, T replaced by C.
Protein change: p.Leu260Pro; replaces leucine 260 with proline.
Molecular consequence: missense variant.
Genome position (GRCh38, 1-based): chr17:42,337,453, A>G on the plus strand (T>C on the coding strand, the complement: STAT3 is on the minus strand). VCF-style: chr17-42337453-A-G. GRCh37 (hg19) VCF-style: chr17-40489471-A-G.
Other names: c.779T>C, p.Leu260Pro (NM_001369519.1, NM_001369520.1, NM_001384984.1 and 15 more transcripts); c.701T>C, p.Leu234Pro (NM_001384985.1); c.683T>C, p.Leu228Pro (NM_001384989.1); short protein forms L260P, L228P, L234P.
Identifiers: ClinVar variation 654844 (VCV000654844.42), dbSNP rs1598422720, ClinGen allele CA399592874.
Genomic context (GRCh38, chr17:42,337,453, plus strand): 5'-TAGCTTTCGAGAAAGAAAGGAAAAGCTTCTTTCATCCTTTACCAGTTTTCTAGCCGATCT[A>G]GGCAGATGTTGGGCGGGCCTCCAATGCAGGCAATCTGTTGCCGCCTCTTCCAGTCAGCCA-3'
Protein context (NP_644805.1, residues 250-270): ACIGGPPNIC[Leu260Pro]DRLENWITSL

ClinVar aggregate classification (germline): Uncertain significance. Review status: criteria provided, multiple submitters, no conflicts (2 of 4 stars). 2 submissions from 2 submitters: Uncertain significance (2). Last evaluated 2019-06-27.

Conditions:
STAT3 gain of function. Identifiers: MedGen C4288261.
Hyper-IgE recurrent infection syndrome 1, autosomal dominant. Also called: Job's Syndrome; JOB SYNDROME; STAT3 Hyper IgE Syndrome; Hyper-IgE recurrent infection syndrome 1; HYPER-IgE SYNDROME 1, AUTOSOMAL DOMINANT, WITH RECURRENT INFECTIONS. Identifiers: Orphanet 2314, MedGen C2936739, MONDO:0007818, OMIM 147060.

Submissions (2):

Labcorp Genetics (formerly Invitae), Labcorp
Classification: Uncertain significance for STAT3 gain of function; Hyper-IgE recurrent infection syndrome 1, autosomal dominant. Last evaluated: 2019-06-27. Review status: criteria provided, single submitter. Criteria: Invitae Variant Classification Sherloc (09022015). Collection method: clinical testing. Allele origin: germline.
Comment: This sequence change replaces leucine with proline at codon 260 of the STAT3 protein (p.Leu260Pro). The leucine residue is highly conserved and there is a moderate physicochemical difference between leucine and proline. This variant is not present in population databases (ExAC no frequency). This variant has not been reported in the literature in individuals with STAT3-related disease. Algorithms developed to predict the effect of missense changes on protein structure and function are either unavailable or do not agree on the potential impact of this missense change (SIFT: "Deleterious"; PolyPhen-2: "Probably Damaging"; Align-GVGD: "Class C0"). In summary, the available evidence is currently insufficient to determine the role of this variant in disease. Therefore, it has been classified as a Variant of Uncertain Significance.

CeGaT Center for Human Genetics Tuebingen
Classification: Uncertain significance. Last evaluated: 2018-08-01. Review status: criteria provided, single submitter. Criteria: CeGaT Center For Human Genetics Tuebingen Variant Classification Criteria Version 2. Collection method: clinical testing. Allele origin: germline. Affected: yes. Observed: 1 variant allele.